The following is an entry in ClinVar:

NM_000059.4(BRCA2):c.2020G>C (p.Glu674Gln)

Gene: BRCA2 (BRCA2 DNA repair associated; plus strand). Cytogenetic location: 13q13.1.
Variant type: single nucleotide variant.
Coding change: c.2020G>C on transcript NM_000059.4 (MANE Select); coding-DNA position 2020, G replaced by C.
Protein change: p.Glu674Gln; replaces glutamic acid 674 with glutamine.
Molecular consequence: missense variant.
Genome position (GRCh38, 1-based): chr13:32,336,375, G>C. VCF-style: chr13-32336375-G-C. GRCh37 (hg19) VCF-style: chr13-32910512-G-C.
Other names: c.2020G>C, p.Glu674Gln (NM_001406719.1, NM_001406720.1); short protein forms E674Q.
Identifiers: ClinVar variation 1722069 (VCV001722069.7), dbSNP rs879255439, ClinGen allele CA387768822.

ClinVar aggregate classification (germline): Conflicting classifications of pathogenicity. Review status: criteria provided, conflicting classifications (1 of 4 stars). 2 submissions from 2 submitters: Uncertain significance (1); Likely benign (1). Last evaluated 2023-08-10.

Conditions:
Hereditary cancer-predisposing syndrome. Also called: Neoplastic Syndromes, Hereditary; Tumor predisposition; Hereditary neoplastic syndrome; Hereditary Cancer Syndrome. Identifiers: Orphanet 140162, MedGen C0027672, MeSH D009386, MONDO:0015356.
Hereditary breast ovarian cancer syndrome. Also called: BRCA1- and BRCA2-Associated Hereditary Breast and Ovarian Cancer; Hereditary breast and ovarian cancer syndrome (HBOC); Hereditary breast and ovarian cancer syndrome; Hereditary breast and ovarian cancer; Hereditary breast and/or ovarian cancer syndrome; Breast and ovarian cancer. Identifiers: Orphanet 145, MedGen C0677776, MeSH D061325, MONDO:0003582. Disease mechanism: loss of function.

Submissions (2):

Labcorp Genetics (formerly Invitae), Labcorp
Classification: Uncertain significance for Hereditary breast ovarian cancer syndrome. Last evaluated: 2023-08-10. Review status: criteria provided, single submitter. Criteria: Invitae Variant Classification Sherloc (09022015). Collection method: clinical testing. Allele origin: germline.
Comment: In summary, the available evidence is currently insufficient to determine the role of this variant in disease. Therefore, it has been classified as a Variant of Uncertain Significance. Advanced modeling of protein sequence and biophysical properties (such as structural, functional, and spatial information, amino acid conservation, physicochemical variation, residue mobility, and thermodynamic stability) performed at Invitae indicates that this missense variant is not expected to disrupt BRCA2 protein function. ClinVar contains an entry for this variant (Variation ID: 1722069). This variant has not been reported in the literature in individuals affected with BRCA2-related conditions. This variant is not present in population databases (gnomAD no frequency). This sequence change replaces glutamic acid, which is acidic and polar, with glutamine, which is neutral and polar, at codon 674 of the BRCA2 protein (p.Glu674Gln).

University of Washington Department of Laboratory Medicine, University of Washington
Classification: Likely benign for Hereditary cancer-predisposing syndrome. Last evaluated: 2023-03-23. Review status: criteria provided, single submitter. Criteria: Dines et al. (Genet Med. 2020). Collection method: curation. Allele origin: germline.
Comment: Missense variant in a coldspot region where missense variants are very unlikely to be pathogenic (PMID:31911673).

BRCA2 exon 11 coldspot. Reclassification based on statistical prior probability.